The following is an entry in ClinVar:

ClinVar aggregate classification (germline): Uncertain significance (1 of 4 stars; one submission).

Submission:

Labcorp Genetics (formerly Invitae), Labcorp
Classification: Uncertain significance. Last evaluated: 2022-01-15. Review status: criteria provided, single submitter. Criteria: Invitae Variant Classification Sherloc (09022015). Collection method: clinical testing. Allele origin: germline.
Comment: In summary, the available evidence is currently insufficient to determine the role of this variant in disease. Therefore, it has been classified as a Variant of Uncertain Significance. Algorithms developed to predict the effect of missense changes on protein structure and function are either unavailable or do not agree on the potential impact of this missense change (SIFT: "Tolerated"; PolyPhen-2: "Probably Damaging"; Align-GVGD: "Class C0"). This variant has not been reported in the literature in individuals affected with GRIA3-related conditions. This variant is not present in population databases (gnomAD no frequency). This sequence change replaces glutamine, which is neutral and polar, with arginine, which is basic and polar, at codon 136 of the GRIA3 protein (p.Gln136Arg).

NM_007325.5(GRIA3):c.407A>G (p.Gln136Arg)

Gene: GRIA3 (glutamate ionotropic receptor AMPA type subunit 3; plus strand). Cytogenetic location: Xq25.
Variant type: single nucleotide variant.
Coding change: c.407A>G on transcript NM_007325.5 (MANE Select); coding-DNA position 407, A replaced by G.
Protein change: p.Gln136Arg; replaces glutamine 136 with arginine.
Molecular consequence: missense variant.
Genome position (GRCh38, 1-based): chrX:123,253,441, A>G. VCF-style: chrX-123253441-A-G. GRCh37 (hg19) VCF-style: chrX-122387292-A-G.
Other names: c.407A>G, p.Gln136Arg (NM_000828.5); short protein forms Q136R.
Identifiers: ClinVar variation 1901268 (VCV001901268.5), dbSNP rs2520693105, ClinGen allele CA414260501.